The following is an entry in ClinVar:

NM_001127222.2(CACNA1A):c.1170T>A (p.Asn390Lys)

Gene: CACNA1A (calcium voltage-gated channel subunit alpha1 A; minus strand). Cytogenetic location: 19p13.13.
Variant type: single nucleotide variant.
Coding change: c.1170T>A on transcript NM_001127222.2 (MANE Select); coding-DNA position 1170, T replaced by A.
Protein change: p.Asn390Lys; replaces asparagine 390 with lysine.
Molecular consequence: missense variant.
Genome position (GRCh38, 1-based): chr19:13,334,406, A>T on the plus strand (T>A on the coding strand, the complement: CACNA1A is on the minus strand). VCF-style: chr19-13334406-A-T. GRCh37 (hg19) VCF-style: chr19-13445220-A-T.
Other names: c.1170T>A, p.Asn390Lys (NM_000068.4, NM_001127221.2, NM_001174080.2 and 1 more transcripts); short protein forms N390K.
Identifiers: ClinVar variation 286277 (VCV000286277.45), dbSNP rs768768744, ClinGen allele CA9240906.

ClinVar aggregate classification (germline): Uncertain significance. Review status: criteria provided, multiple submitters, no conflicts (2 of 4 stars). 6 submissions from 6 submitters: Uncertain significance (6). Last evaluated 2025-12-21.

Conditions:
Developmental and epileptic encephalopathy, 42 (DEE42A). Also called: Epileptic encephalopathy, early infantile, 42; DEVELOPMENTAL AND EPILEPTIC ENCEPHALOPATHY 42A; EPILEPTIC ENCEPHALOPATHY, EARLY INFANTILE, 42A. Identifiers: MedGen C4310716, MONDO:0014917, OMIM 617106.
Episodic ataxia type 2 (EA2). Also called: ACETAZOLAMIDE-RESPONSIVE HEREDITARY PAROXYSMAL CEREBELLAR ATAXIA; ATAXIA, EPISODIC, WITH NYSTAGMUS; ATAXIA, FAMILIAL PAROXYSMAL; CEREBELLAR ATAXIA, PAROXYSMAL, ACETAZOLAMIDE-RESPONSIVE; CEREBELLOPATHY, HEREDITARY PAROXYSMAL; EPISODIC ATAXIA, NYSTAGMUS-ASSOCIATED. Identifiers: Orphanet 97, MedGen C1720416, MONDO:0007163, OMIM 108500.
Migraine, familial hemiplegic, 1. Also called: MIGRAINE, FAMILIAL HEMIPLEGIC 1, WITH PROGRESSIVE CEREBELLAR ATAXIA. Identifiers: Orphanet 569, MedGen C1832884, MONDO:0020756, OMIM 141500, MONDO:0007714.
Spinocerebellar ataxia type 6 (SCA6). Identifiers: Orphanet 98758, MedGen C0752124, MONDO:0008457, OMIM 183086.

Allele frequency attached by ClinVar (database versions not stated): TOPMed 0.00001; ExAC 0.00002.
gnomAD v4.1: 12 of 1,605,744 alleles (0.00075%); highest among the groups gnomAD compares: Non-Finnish European, 0.001%; no homozygotes.

Submissions (6):

Labcorp Genetics (formerly Invitae), Labcorp
Classification: Uncertain significance for Developmental and epileptic encephalopathy, 42; Episodic ataxia type 2. Last evaluated: 2025-12-21. Review status: criteria provided, single submitter. Criteria: Invitae Variant Classification Sherloc (09022015). Collection method: clinical testing. Allele origin: germline.
Comment: This sequence change replaces asparagine, which is neutral and polar, with lysine, which is basic and polar, at codon 390 of the CACNA1A protein (p.Asn390Lys). This variant is present in population databases (rs768768744, gnomAD 0.002%). This missense change has been observed in individual(s) with episodic ataxia and migraine (PMID: 34806130). ClinVar contains an entry for this variant (Variation ID: 286277). Invitae Evidence Modeling of protein sequence and biophysical properties (such as structural, functional, and spatial information, amino acid conservation, physicochemical variation, residue mobility, and thermodynamic stability) indicates that this missense variant is not expected to disrupt CACNA1A protein function with a negative predictive value of 95%. In summary, the available evidence is currently insufficient to determine the role of this variant in disease. Therefore, it has been classified as a Variant of Uncertain Significance.

Women's Health and Genetics/Laboratory Corporation of America, LabCorp
Classification: Uncertain significance. Last evaluated: 2025-07-25. Review status: criteria provided, single submitter. Criteria: LabCorp Variant Classification Summary - May 2015. Collection method: clinical testing. Allele origin: germline.
Comment: Variant summary: CACNA1A c.1170T>A (p.Asn390Lys) results in a non-conservative amino acid change in the encoded protein sequence. Algorithms developed to predict the effect of missense changes on protein structure and function are either unavailable or do not agree on the potential impact of this missense change. The variant allele was found at a frequency of 8e-06 in 249276 control chromosomes (gnomAD). The available data on variant occurrences in the general population are insufficient to allow any conclusion about variant significance. c.1170T>A has been observed in an individual affected with Episodic ataxia and migraine as well as their unaffected mother (Hommersom_2022). This report does not provide unequivocal conclusions about association of the variant with Epileptic Encephalopathy, Early Infantile, 42. To our knowledge, no experimental evidence demonstrating an impact on protein function has been reported. The following publication has been ascertained in the context of this evaluation (PMID: 34806130). ClinVar contains an entry for this variant (Variation ID: 286277). Based on the evidence outlined above, the variant was classified as uncertain significance.

CeGaT Center for Human Genetics Tuebingen
Classification: Uncertain significance. Last evaluated: 2023-12-01. Review status: criteria provided, single submitter. Criteria: CeGaT Center For Human Genetics Tuebingen Variant Classification Criteria Version 2. Collection method: clinical testing. Allele origin: germline. Affected: yes. Observed: 2 variant alleles.
Comment: CACNA1A: PP2, PP3

Blueprint Genetics
Classification: Uncertain significance. Last evaluated: 2023-11-28. Review status: criteria provided, single submitter. Criteria: ACMG Guidelines, 2015. Collection method: clinical testing. Allele origin: germline.

Fulgent Genetics
Classification: Uncertain significance for Episodic ataxia type 2; Migraine, familial hemiplegic, 1; Spinocerebellar ataxia type 6; Developmental and epileptic encephalopathy, 42. Last evaluated: 2022-02-07. Review status: criteria provided, single submitter. Criteria: ACMG Guidelines, 2015. Collection method: clinical testing. Allele origin: unknown.

Eurofins Ntd Llc (ga)
Classification: Uncertain significance. Last evaluated: 2016-02-25. Review status: criteria provided, single submitter. Criteria: EGL Classification Definitions 2015. Collection method: clinical testing. Allele origin: germline. Observed: 1 variant allele, 1 heterozygote.

Literature cited by the submitters: PubMed 34806130 (cited by Labcorp Genetics (formerly Invitae), Labcorp and Women's Health and Genetics/Laboratory Corporation of America, LabCorp).